The following is an entry in ClinVar:

ClinVar aggregate classification (germline): Benign/Likely benign. Review status: criteria provided, multiple submitters, no conflicts (2 of 4 stars). 6 submissions from 6 submitters: Benign (1); Likely benign (3). 2 of the submissions do not count toward it. Last evaluated 2025-12-06.

Conditions:
ALK-related disorder. Also called: ALK-related condition.
Hereditary cancer-predisposing syndrome. Also called: Neoplastic Syndromes, Hereditary; Tumor predisposition; Hereditary Cancer Syndrome; Hereditary neoplastic syndrome. Identifiers: Orphanet 140162, MedGen C0027672, MeSH D009386, MONDO:0015356.
Neuroblastoma, susceptibility to, 3. Also called: ALK-Related Neuroblastic Tumor Susceptibility. Identifiers: Orphanet 635, MedGen C2751681, MONDO:0013083, OMIM 613014.

Allele frequency attached by ClinVar (database versions not stated): gnomAD 0.00001 and 0.00009; TOPMed 0.00002; gnomAD exomes 0.00038; ExAC 0.00048; 1000 Genomes Project 30x 0.00062; 1000 Genomes Project 0.00080.
gnomAD v4.1: 291 of 1,614,196 alleles (0.018%); highest among the groups gnomAD compares: South Asian, 0.3%; 5 homozygotes.

Submissions (6):

Labcorp Genetics (formerly Invitae), Labcorp
Classification: Likely benign for Neuroblastoma, susceptibility to, 3. Last evaluated: 2025-12-06. Review status: criteria provided, single submitter. Criteria: Invitae Variant Classification Sherloc (09022015). Collection method: clinical testing. Allele origin: germline.

PreventionGenetics, part of Exact Sciences
Classification: Likely benign for ALK-related condition. Last evaluated: 2025-06-24. Review status: criteria provided, single submitter. Criteria: ACMG Guidelines, 2015. Collection method: clinical testing. Allele origin: germline.
Comment: This variant is classified as likely benign based on ACMG/AMP sequence variant interpretation guidelines (Richards et al. 2015 PMID: 25741868, with internal and published modifications).

Ambry Genetics
Classification: Benign for Hereditary cancer-predisposing syndrome. Last evaluated: 2024-12-04. Review status: criteria provided, single submitter. Criteria: Ambry Variant Classification Scheme 2023. Collection method: clinical testing. Allele origin: germline.

KCCC/NGS Laboratory, Kuwait Cancer Control Center
Classification: Likely benign for Neuroblastoma, susceptibility to, 3. Last evaluated: 2023-07-07. Review status: criteria provided, single submitter. Criteria: ACMG Guidelines, 2015. Collection method: clinical testing. Allele origin: germline. Affected: yes.

ITMI
No classification provided. Condition: AllHighlyPenetrant. Last evaluated: 2013-09-19. Review status: no classification provided. Collection method: reference population. Allele origin: germline. Not counted in ClinVar's aggregate classification.
Comment: Please see associated publication for description of ethnicities

Department of Pathology and Laboratory Medicine, Sinai Health System
Classification: Likely benign. Review status: no assertion criteria provided. Collection method: clinical testing. Allele origin: unknown. Affected: yes. Study: The Canadian Open Genetics Repository (COGR). Not counted in ClinVar's aggregate classification.
Comment: The ALK p.E405D variant was not identified in the literature nor was it identified in COSMIC. The variant was identified in dbSNP (ID: rs370235133) and ClinVar (classified as likely benign by Invitae). The variant was identified in control databases in 97 of 282670 chromosomes (2 homozygous) at a frequency of 0.0003432, and was observed at the highest frequency in the South Asian population in 94 of 30614 chromosomes (2 homozygous) (freq: 0.003070) (Genome Aggregation Database March 6, 2019, v2.1.1). The p.E405 residue is conserved in mammals however computational analyses (MUT Assesor, PolyPhen-2, SIFT, MutationTaster, Revel, FATHMM, MetaLR, DANN) do not suggest a high likelihood of impact to the protein; this information is not predictive enough to rule out pathogenicity. The variant occurs outside of the splicing consensus sequence and in silico or computational prediction software programs (Splice AI exome) do not predict a deleterious effect on splicing. In summary, based on the above information the clinical significance of this variant cannot be determined with certainty at this time although we would lean towards a more benign role for this variant. This variant is classified as likely benign.

Literature cited by the submitters: PubMed 24728327 (cited by ITMI).

NM_004304.5(ALK):c.1215A>T (p.Glu405Asp)

Gene: ALK (ALK receptor tyrosine kinase; minus strand). Cytogenetic location: 2p23.2.
Variant type: single nucleotide variant.
Coding change: c.1215A>T on transcript NM_004304.5 (MANE Select); coding-DNA position 1215, A replaced by T.
Protein change: p.Glu405Asp; replaces glutamic acid 405 with aspartic acid.
Molecular consequence: missense variant.
Genome position (GRCh38, 1-based): chr2:29,383,799, T>A on the plus strand (A>T on the coding strand, the complement: ALK is on the minus strand). VCF-style: chr2-29383799-T-A. GRCh37 (hg19) VCF-style: chr2-29606665-T-A.
Other names: short protein forms E405D.
Identifiers: ClinVar variation 133484 (VCV000133484.15), dbSNP rs370235133, ClinGen allele CA156668.